The following is an entry in ClinVar:

NM_001244008.2(KIF1A):c.430-221A>G

Gene: KIF1A (kinesin family member 1A; minus strand). Cytogenetic location: 2q37.3.
Variant type: single nucleotide variant.
Coding change: c.430-221A>G on transcript NM_001244008.2 (MANE Select); 221 bases into the intron before coding-DNA position 430, A replaced by G.
Molecular consequence: intron variant.
Genome position (GRCh38, 1-based): chr2:240,786,734, T>C on the plus strand (A>G on the coding strand, the complement: KIF1A is on the minus strand). VCF-style: chr2-240786734-T-C. GRCh37 (hg19) VCF-style: chr2-241726151-T-C.
Other names: c.430-221A>G (NM_001379653.1, NM_001379650.1, NM_001379645.1 and 20 more transcripts).
Identifiers: ClinVar variation 672264 (VCV000672264.1), dbSNP rs1335263760, ClinGen allele CA540753117.

ClinVar aggregate classification (germline): Likely benign (1 of 4 stars; one submission).

Allele frequency attached by ClinVar (database versions not stated): gnomAD 0.01428.
gnomAD v4.1: 505 of 35,908 alleles (1.4%); highest among the groups gnomAD compares: African/African-American, 5.1%; 10 homozygotes.

Submission:

GeneDx
Classification: Likely benign. Last evaluated: 2018-06-19. Review status: criteria provided, single submitter. Criteria: GeneDx Variant Classification (06012015). Collection method: clinical testing. Allele origin: germline. Affected: yes.
Comment: This variant is considered likely benign or benign based on one or more of the following criteria: it is a conservative change, it occurs at a poorly conserved position in the protein, it is predicted to be benign by multiple in silico algorithms, and/or has population frequency not consistent with disease.